The following is an entry in ClinVar:

ClinVar aggregate classification (germline): Uncertain significance (1 of 4 stars; one submission).

Submission:

Labcorp Genetics (formerly Invitae), Labcorp
Classification: Uncertain significance. Last evaluated: 2022-05-07. Review status: criteria provided, single submitter. Criteria: Invitae Variant Classification Sherloc (09022015). Collection method: clinical testing. Allele origin: germline.
Comment: This sequence change replaces glutamic acid, which is acidic and polar, with valine, which is neutral and non-polar, at codon 1183 of the APC2 protein (p.Glu1183Val). This variant is not present in population databases (gnomAD no frequency). This variant has not been reported in the literature in individuals affected with APC2-related conditions. Algorithms developed to predict the effect of missense changes on protein structure and function are either unavailable or do not agree on the potential impact of this missense change (SIFT: "Deleterious"; PolyPhen-2: "Benign"; Align-GVGD: "Class C15"). In summary, the available evidence is currently insufficient to determine the role of this variant in disease. Therefore, it has been classified as a Variant of Uncertain Significance.

NM_005883.3(APC2):c.3548A>T (p.Glu1183Val)

Gene: APC2 (APC regulator of Wnt signaling pathway 2; plus strand). Cytogenetic location: 19p13.3.
Variant type: single nucleotide variant.
Coding change: c.3548A>T on transcript NM_005883.3 (MANE Select); coding-DNA position 3548, A replaced by T.
Protein change: p.Glu1183Val; replaces glutamic acid 1183 with valine.
Molecular consequence: missense variant.
Genome position (GRCh38, 1-based): chr19:1,466,849, A>T. VCF-style: chr19-1466849-A-T. GRCh37 (hg19) VCF-style: chr19-1466848-A-T.
Other names: c.3545A>T, p.Glu1182Val (NM_001351273.1); short protein forms E1183V, E1182V.
Identifiers: ClinVar variation 2135232 (VCV002135232.4), dbSNP rs2512524927, ClinGen allele CA403030879.